The following is an entry in ClinVar:

NM_152703.5(SAMD9L):c.4436G>T (p.Gly1479Val)

Gene: SAMD9L (sterile alpha motif domain containing 9 like; minus strand). Cytogenetic location: 7q21.2.
Variant type: single nucleotide variant.
Coding change: c.4436G>T on transcript NM_152703.5 (MANE Select); coding-DNA position 4436, G replaced by T.
Protein change: p.Gly1479Val; replaces glycine 1479 with valine.
Molecular consequence: missense variant.
Genome position (GRCh38, 1-based): chr7:93,131,536, C>A on the plus strand (G>T on the coding strand, the complement: SAMD9L is on the minus strand). VCF-style: chr7-93131536-C-A. GRCh37 (hg19) VCF-style: chr7-92760849-C-A.
Other names: c.4436G>T, p.Gly1479Val (NM_001303498.3, NM_001303500.3, NM_001350082.2 and 5 more transcripts); short protein forms G1479V.
Identifiers: ClinVar variation 5028894 (VCV005028894.1).

ClinVar aggregate classification (germline): Uncertain significance (1 of 4 stars; one submission).

Conditions:
Inborn genetic diseases. Identifiers: MedGen C0950123, MeSH D030342.

Submission:

Ambry Genetics
Classification: Uncertain significance for Inborn genetic diseases. Last evaluated: 2026-07-14. Review status: criteria provided, single submitter. Criteria: Ambry Variant Classification Scheme 2023. Collection method: clinical testing. Allele origin: germline.
Comment: The p.G1479V variant (also known as c.4436G>T), located in coding exon 1 of the SAMD9L gene, results from a G to T substitution at nucleotide position 4436. The glycine at codon 1479 is replaced by valine, an amino acid with dissimilar properties. This amino acid position is conserved. In addition, the in silico prediction for this alteration is inconclusive. Based on the available evidence, the clinical significance of this variant remains unclear.